The following is an entry in ClinVar:

ClinVar aggregate classification (germline): Pathogenic (1 of 4 stars; one submission).

Submission:

Labcorp Genetics (formerly Invitae), Labcorp
Classification: Pathogenic. Last evaluated: 2022-09-27. Review status: criteria provided, single submitter. Criteria: Invitae Variant Classification Sherloc (09022015). Collection method: clinical testing. Allele origin: germline.
Comment: This sequence change creates a premature translational stop signal (p.Gly592Alafs*17) in the ABCA1 gene. It is expected to result in an absent or disrupted protein product. Loss-of-function variants in ABCA1 are known to be pathogenic (PMID: 10525055, 10760292, 20880529). The frequency data for this variant in the population databases is considered unreliable, as metrics indicate poor data quality at this position in the gnomAD database. This variant has not been reported in the literature in individuals affected with ABCA1-related conditions. For these reasons, this variant has been classified as Pathogenic.

Literature cited by the submitters: PubMed 10525055; PubMed 10760292; PubMed 20880529.

NM_005502.4(ABCA1):c.1775del (p.Gly592fs)

Gene: ABCA1 (ATP binding cassette subfamily A member 1; minus strand). Cytogenetic location: 9q31.1.
Variant type: Deletion.
Coding change: c.1775del on transcript NM_005502.4 (MANE Select); coding-DNA position 1775, one base deleted (G; older notation c.1775delG).
Protein change: p.Gly592fs; shifts the reading frame from glycine 592.
Molecular consequence: frameshift variant.
Genome position (GRCh38, 1-based): chr9:104,831,042, C deleted on the plus strand (G on the coding strand, the reverse complement: ABCA1 is on the minus strand); the first of 7 consecutive C bases (chr9:104,831,042-104,831,048); deleting any one gives the same sequence. VCF-style (leftmost placement, unchanged base first): chr9-104831041-GC-G. GRCh37 (hg19) VCF-style: chr9-107593322-GC-G.
Other names: short protein forms G592fs.
Identifiers: ClinVar variation 1929414 (VCV001929414.5), dbSNP rs766144819, ClinGen allele CA374323113.